The following is an entry in ClinVar:

ClinVar aggregate classification (germline): Uncertain significance (1 of 4 stars; one submission).

Conditions:
Ehlers-Danlos syndrome, type 4 (EDSVASC). Also called: Ehlers-Danlos Syndrome Type IV; Ehlers-Danlos syndrome vascular type; Ehlers Danlos syndrome, ecchymotic type; Ehlers Danlos syndrome, arterial type; Ehlers Danlos syndrome, Sack-Barabas type. Identifiers: Orphanet 286, MedGen C0268338, MONDO:0017314, OMIM 130050.

Submission:

Labcorp Genetics (formerly Invitae), Labcorp
Classification: Uncertain significance for Ehlers-Danlos syndrome, type 4. Last evaluated: 2023-06-10. Review status: criteria provided, single submitter. Criteria: Invitae Variant Classification Sherloc (09022015). Collection method: clinical testing. Allele origin: germline.
Comment: In summary, the available evidence is currently insufficient to determine the role of this variant in disease. Therefore, it has been classified as a Variant of Uncertain Significance. Advanced modeling of protein sequence and biophysical properties (such as structural, functional, and spatial information, amino acid conservation, physicochemical variation, residue mobility, and thermodynamic stability) performed at Invitae indicates that this missense variant is not expected to disrupt COL3A1 protein function. This variant has not been reported in the literature in individuals affected with COL3A1-related conditions. This variant is not present in population databases (gnomAD no frequency). This sequence change replaces alanine, which is neutral and non-polar, with serine, which is neutral and polar, at codon 304 of the COL3A1 protein (p.Ala304Ser).

NM_000090.4(COL3A1):c.910G>T (p.Ala304Ser)

Gene: COL3A1 (collagen type III alpha 1 chain; plus strand). Cytogenetic location: 2q32.2.
Variant type: single nucleotide variant.
Coding change: c.910G>T on transcript NM_000090.4 (MANE Select); coding-DNA position 910, G replaced by T.
Protein change: p.Ala304Ser; replaces alanine 304 with serine.
Molecular consequence: missense variant.
Genome position (GRCh38, 1-based): chr2:188,991,681, G>T. VCF-style: chr2-188991681-G-T. GRCh37 (hg19) VCF-style: chr2-189856407-G-T.
Other names: short protein forms A304S.
Identifiers: ClinVar variation 2709032 (VCV002709032.3), dbSNP rs756075915, ClinGen allele CA349849990.
Genomic context (GRCh38, chr2:188,991,681, plus strand): 5'-ACACATGTCAAGATTAGAGTAAAACCATATTTCAATTTTACTCTGTAGGGTCCAAGAGGG[G>T]CTCCTGGTGAGCGAGGACGGCCAGGACTTCCTGGGGCTGCAGTGAGTATAGCTGCTAACA-3'
Protein context (NP_000081.2, residues 294-314): GAPGPMGPRG[Ala304Ser]PGERGRPGLP